The following is an entry in ClinVar:

NM_001374353.1(GLI2):c.2142G>C (p.Gln714His)

Gene: GLI2 (GLI family zinc finger 2; plus strand). Cytogenetic location: 2q14.2.
Variant type: single nucleotide variant.
Coding change: c.2142G>C on transcript NM_001374353.1 (MANE Select); coding-DNA position 2142, G replaced by C.
Protein change: p.Gln714His; replaces glutamine 714 with histidine.
Molecular consequence: missense variant.
Genome position (GRCh38, 1-based): chr2:120,986,514, G>C. VCF-style: chr2-120986514-G-C. GRCh37 (hg19) VCF-style: chr2-121744090-G-C.
Other names: c.2193G>C, p.Gln731His (NM_001371271.1, NM_005270.5); c.1767G>C, p.Gln589His (NM_001374354.1); short protein forms Q589H, Q714H, Q731H.
Identifiers: ClinVar variation 3900548 (VCV003900548.1).

ClinVar aggregate classification (germline): Uncertain significance (1 of 4 stars; one submission).

Submission:

GeneDx
Classification: Uncertain significance. Last evaluated: 2024-11-21. Review status: criteria provided, single submitter. Criteria: GeneDx Variant Classification Process June 2021. Collection method: clinical testing. Allele origin: germline. Affected: yes.
Comment: Not observed at significant frequency in large population cohorts (gnomAD); In silico analysis indicates that this missense variant does not alter protein structure/function; Has not been previously published as pathogenic or benign to our knowledge